The following is an entry in ClinVar:

NM_021813.4(BACH2):c.1244G>A (p.Gly415Glu)

Gene: BACH2 (BACH transcriptional regulator 2; minus strand). Cytogenetic location: 6q15.
Variant type: single nucleotide variant.
Coding change: c.1244G>A on transcript NM_021813.4 (MANE Select); coding-DNA position 1244, G replaced by A.
Protein change: p.Gly415Glu; replaces glycine 415 with glutamic acid.
Molecular consequence: missense variant.
Genome position (GRCh38, 1-based): chr6:89,950,862, C>T on the plus strand (G>A on the coding strand, the complement: BACH2 is on the minus strand). VCF-style: chr6-89950862-C-T. GRCh37 (hg19) VCF-style: chr6-90660581-C-T.
Other names: c.1244G>A, p.Gly415Glu (NM_001170794.2); c.1244G>A (NM_021813.3); short protein forms G415E.
Identifiers: ClinVar variation 1139633 (VCV001139633.38), dbSNP rs149898769, ClinGen allele CA3928024.

ClinVar aggregate classification (germline): Likely benign. Review status: criteria provided, multiple submitters, no conflicts (2 of 4 stars). 7 submissions from 7 submitters: Likely benign (4). 3 of the submissions do not count toward it. Last evaluated 2026-02-02.

Conditions:
BACH2-related disorder. Also called: BACH2-related condition.

Allele frequency attached by ClinVar (database versions not stated): 1000 Genomes Project 0.00100; 1000 Genomes Project 30x 0.00109; TOPMed 0.00240; ESP Exome Variant Server 0.00243; gnomAD 0.00244 and 0.00247; gnomAD exomes 0.00245 and 0.00324; ExAC 0.00269.
gnomAD v4.1: 5,034 of 1,611,998 alleles (0.31%); highest among the groups gnomAD compares: Non-Finnish European, 0.39%; 9 homozygotes.

Submissions (7):

Labcorp Genetics (formerly Invitae), Labcorp
Classification: Likely benign. Last evaluated: 2026-02-02. Review status: criteria provided, single submitter. Criteria: Invitae Variant Classification Sherloc (09022015). Collection method: clinical testing. Allele origin: germline.

Blueprint Genetics
Classification: Likely benign. Last evaluated: 2024-11-25. Review status: criteria provided, single submitter. Criteria: ACMG Guidelines, 2015. Collection method: clinical testing. Allele origin: germline.

CeGaT Center for Human Genetics Tuebingen
Classification: Likely benign. Last evaluated: 2024-05-01. Review status: criteria provided, single submitter. Criteria: CeGaT Center For Human Genetics Tuebingen Variant Classification Criteria Version 2. Collection method: clinical testing. Allele origin: germline. Affected: yes. Observed: 5 variant alleles.
Comment: BACH2: BP4, BS2

Breakthrough Genomics
Classification: Likely benign. Review status: criteria provided, single submitter. Criteria: ACMG Guidelines, 2015. Collection method: not provided. Allele origin: germline. Inheritance: Autosomal dominant inheritance. Affected: yes.

PreventionGenetics, part of Exact Sciences
Classification: Likely benign for BACH2-related condition. Last evaluated: 2021-01-04. Review status: no assertion criteria provided. Collection method: clinical testing. Allele origin: germline. Not counted in ClinVar's aggregate classification.
Comment: This variant is classified as likely benign based on ACMG/AMP sequence variant interpretation guidelines (Richards et al. 2015 PMID: 25741868, with internal and published modifications).

Clinical Genetics DNA and cytogenetics Diagnostics Lab, Erasmus MC, Erasmus Medical Center
Classification: Likely benign. Review status: no assertion criteria provided. Collection method: clinical testing. Allele origin: germline. Affected: yes. Study: VKGL Data-share Consensus. Not counted in ClinVar's aggregate classification.

Genome Diagnostics Laboratory, University Medical Center Utrecht
Classification: Likely benign. Review status: no assertion criteria provided. Collection method: clinical testing. Allele origin: germline. Affected: yes. Study: VKGL Data-share Consensus. Not counted in ClinVar's aggregate classification.